The following is an entry in ClinVar:

NM_017636.4(TRPM4):c.2299C>T (p.Arg767Trp)

Gene: TRPM4 (transient receptor potential cation channel subfamily M member 4; plus strand). Cytogenetic location: 19q13.33.
Variant type: single nucleotide variant.
Coding change: c.2299C>T on transcript NM_017636.4 (MANE Select); coding-DNA position 2299, C replaced by T.
Protein change: p.Arg767Trp; replaces arginine 767 with tryptophan.
Molecular consequence: missense variant. On other transcripts: intron variant (1).
Genome position (GRCh38, 1-based): chr19:49,196,528, C>T. VCF-style: chr19-49196528-C-T. GRCh37 (hg19) VCF-style: chr19-49699785-C-T.
Other names: c.1954C>T, p.Arg652Trp (NM_001321281.2); c.691C>T, p.Arg231Trp (NM_001321282.2); c.1777C>T, p.Arg593Trp (NM_001321283.2); c.1237C>T, p.Arg413Trp (NM_001321285.2); c.2211-3772C>T (NM_001195227.2); short protein forms R413W, R767W, R231W, R593W, R652W.
Identifiers: ClinVar variation 1789209 (VCV001789209.4), dbSNP rs1320114611, ClinGen allele CA406808754.
Genomic context (GRCh38, chr19:49,196,528, plus strand): 5'-CTGGGGGTCCCGCGCCAGTCGGGCCGTCCGGGTTGCTGCGGGGGCCGCTGCGGGGGGCGC[C>T]GGTGCCTACGCCGCTGGTTCCACTTCTGGGGCGCGCCGGTGACCATCTTCATGGGCAACG-3'
Protein context (NP_060106.2, residues 757-777): GCCGGRCGGR[Arg767Trp]CLRRWFHFWG

ClinVar aggregate classification (germline): Conflicting classifications of pathogenicity. Review status: criteria provided, conflicting classifications (1 of 4 stars). 2 submissions from 2 submitters: Uncertain significance (1); Likely benign (1). Last evaluated 2024-09-06.

Conditions:
Cardiovascular phenotype. Identifiers: MedGen CN230736.
Progressive familial heart block type IB (PFHB1B). Identifiers: Orphanet 871, MedGen C1970298, MONDO:0011474, OMIM 604559.

Allele frequency attached by ClinVar (database versions not stated): gnomAD exomes below 0.00001; gnomAD 0.00001.
gnomAD v4.1: 3 of 1,553,806 alleles (0.00019%); highest among the groups gnomAD compares: Non-Finnish European, 0.00026%; no homozygotes.

Submissions (2):

Labcorp Genetics (formerly Invitae), Labcorp
Classification: Uncertain significance for Progressive familial heart block type IB. Last evaluated: 2024-09-06. Review status: criteria provided, single submitter. Criteria: Invitae Variant Classification Sherloc (09022015). Collection method: clinical testing. Allele origin: germline.
Comment: This sequence change replaces arginine, which is basic and polar, with tryptophan, which is neutral and slightly polar, at codon 767 of the TRPM4 protein (p.Arg767Trp). This variant is not present in population databases (gnomAD no frequency). This variant has not been reported in the literature in individuals affected with TRPM4-related conditions. ClinVar contains an entry for this variant (Variation ID: 1789209). An algorithm developed to predict the effect of missense changes on protein structure and function outputs the following: PolyPhen-2: "Benign". The tryptophan amino acid residue is found in multiple mammalian species, which suggests that this missense change does not adversely affect protein function. In summary, the available evidence is currently insufficient to determine the role of this variant in disease. Therefore, it has been classified as a Variant of Uncertain Significance.

Ambry Genetics
Classification: Likely benign for Cardiovascular phenotype. Last evaluated: 2021-06-23. Review status: criteria provided, single submitter. Criteria: Ambry Variant Classification Scheme 2023. Collection method: clinical testing. Allele origin: germline.